The following is an entry in ClinVar:

NM_198576.4(AGRN):c.1107C>T (p.Val369=)

Gene: AGRN (agrin; plus strand). Cytogenetic location: 1p36.33.
Variant type: single nucleotide variant.
Coding change: c.1107C>T on transcript NM_198576.4 (MANE Select); coding-DNA position 1107, C replaced by T.
Protein change: p.Val369=; no amino-acid change (valine 369 retained).
Molecular consequence: synonymous variant.
Genome position (GRCh38, 1-based): chr1:1,041,632, C>T. VCF-style: chr1-1041632-C-T. GRCh37 (hg19) VCF-style: chr1-977012-C-T.
Other names: c.1107C>T, p.Val369= (NM_001305275.2); c.792C>T, p.Val264= (NM_001364727.2).
Identifiers: ClinVar variation 704787 (VCV000704787.32), dbSNP rs369413947, ClinGen allele CA508008.

ClinVar aggregate classification (germline): Likely benign. Review status: criteria provided, multiple submitters, no conflicts (2 of 4 stars). 4 submissions from 4 submitters: Likely benign (3). 1 of the submissions does not count toward it. Last evaluated 2026-02-01.

Conditions:
Congenital myasthenic syndrome 8. Also called: MYASTHENIC SYNDROME, CONGENITAL, DUE TO AGRIN DEFICIENCY; Myasthenic syndrome, congenital, 8, with pre- and postsynaptic defects. Identifiers: Orphanet 590, MedGen C3808739, MONDO:0014052, OMIM 615120.
AGRN-related disorder. Also called: AGRN-related condition.

Allele frequency attached by ClinVar (database versions not stated): gnomAD 0.00017 and 0.00018; gnomAD exomes 0.00021 and 0.00049; TOPMed 0.00021; ExAC 0.00023; ESP Exome Variant Server 0.00024.
gnomAD v4.1: 768 of 1,611,224 alleles (0.048%); highest among the groups gnomAD compares: Non-Finnish European, 0.059%; 3 homozygotes.

Submissions (4):

Labcorp Genetics (formerly Invitae), Labcorp
Classification: Likely benign for Congenital myasthenic syndrome 8. Last evaluated: 2026-02-01. Review status: criteria provided, single submitter. Criteria: Invitae Variant Classification Sherloc (09022015). Collection method: clinical testing. Allele origin: germline.

CeGaT Center for Human Genetics Tuebingen
Classification: Likely benign. Last evaluated: 2024-04-01. Review status: criteria provided, single submitter. Criteria: CeGaT Center For Human Genetics Tuebingen Variant Classification Criteria Version 2. Collection method: clinical testing. Allele origin: germline. Affected: yes. Observed: 1 variant allele.
Comment: AGRN: BP4, BP7

Blueprint Genetics
Classification: Likely benign. Last evaluated: 2022-10-10. Review status: criteria provided, single submitter. Criteria: ACMG Guidelines, 2015. Collection method: clinical testing. Allele origin: germline.

PreventionGenetics, part of Exact Sciences
Classification: Likely benign for AGRN-related condition. Last evaluated: 2019-04-12. Review status: no assertion criteria provided. Collection method: clinical testing. Allele origin: germline. Not counted in ClinVar's aggregate classification.
Comment: This variant is classified as likely benign based on ACMG/AMP sequence variant interpretation guidelines (Richards et al. 2015 PMID: 25741868, with internal and published modifications).